The following is an entry in ClinVar:

NM_031308.4(EPPK1):c.6924C>T (p.Thr2308=)

Gene: EPPK1 (epiplakin 1; minus strand). Cytogenetic location: 8q24.3.
Variant type: single nucleotide variant.
Coding change: c.6924C>T on transcript NM_031308.4 (MANE Select); coding-DNA position 6924, C replaced by T.
Protein change: p.Thr2308=; no amino-acid change (threonine 2308 retained).
Molecular consequence: synonymous variant.
Genome position (GRCh38, 1-based): chr8:143,866,330, G>A on the plus strand (C>T on the coding strand, the complement: EPPK1 is on the minus strand). VCF-style: chr8-143866330-G-A.
Identifiers: ClinVar variation 3030626 (VCV003030626.1), dbSNP rs1370492498, ClinGen allele CA848824250.
Genomic context (GRCh38, chr8:143,866,330, plus strand): 5'-GTCCTTCTGCATGGCCTGGAAGAGGGAGATCTGCTGCCCGGTGTAGGGGTCGGTGTAGCC[G>A]GTGACGGCGCGCTCGGCCGACAGCAGCTTCTCCTGGATCTCGCCGCCCACCACGCCCGCG-3'
Protein context (NP_112598.3, residues 2298-2318): EKLLSAERAV[Thr2308=]GYTDPYTGQQ

ClinVar aggregate classification (germline): Likely benign (1 of 4 stars; one submission).

Conditions:
EPPK1-related disorder. Also called: EPPK1-related condition.

Allele frequency attached by ClinVar (database versions not stated): gnomAD 0.00002.
gnomAD v4.1: 7 of 439,020 alleles (0.0016%); highest among the groups gnomAD compares: African/African-American, 0.02%; no homozygotes.

Submission:

PreventionGenetics, part of Exact Sciences
Classification: Likely benign for EPPK1-related condition. Last evaluated: 2021-04-28. Review status: criteria provided, single submitter. Criteria: ACMG Guidelines, 2015. Collection method: clinical testing. Allele origin: germline.
Comment: This variant is classified as likely benign based on ACMG/AMP sequence variant interpretation guidelines (Richards et al. 2015 PMID: 25741868, with internal and published modifications).